The following is an entry in ClinVar:

ClinVar aggregate classification (germline): Benign. Review status: criteria provided, multiple submitters, no conflicts (2 of 4 stars). 2 submissions from 2 submitters: Benign (2). Last evaluated 2018-01-13.

Conditions:
Autosomal dominant optic atrophy classic form (OPA1). Also called: KJER-TYPE OPTIC ATROPHY; OPTIC ATROPHY, JUVENILE; Optic Atrophy Type 1. Identifiers: Orphanet 98673, MedGen C0338508, MONDO:0008134, OMIM 165500.

Allele frequency attached by ClinVar (database versions not stated): 1000 Genomes Project 0.43830; 1000 Genomes Project 30x 0.43832; TOPMed 0.45888; gnomAD 0.46275 and 0.46817; gnomAD exomes 0.50000.
gnomAD v4.1: 70,351 of 151,998 alleles (46%); highest among the groups gnomAD compares: African/African-American, 52%; 16,651 homozygotes.

Submissions (2):

Illumina Laboratory Services, Illumina
Classification: Benign for Autosomal dominant optic atrophy classic form. Last evaluated: 2018-01-13. Review status: criteria provided, single submitter. Criteria: ICSL Variant Classification Criteria 13 December 2019. Collection method: clinical testing. Allele origin: germline.
Comment: This variant was observed in the ICSL laboratory as part of a predisposition screen in an ostensibly healthy population. It had not been previously curated by ICSL or reported in the Human Gene Mutation Database (HGMD: prior to June 1st, 2018), and was therefore a candidate for classification through an automated scoring system. Utilizing variant allele frequency, disease prevalence and penetrance estimates, and inheritance mode, an automated score was calculated to assess if this variant is too frequent to cause the disease. Based on the score and internal cut-off values, a variant classified as benign is not then subjected to further curation. The score for this variant resulted in a classification of benign for this disease.

Breakthrough Genomics
Classification: Benign. Review status: criteria provided, single submitter. Criteria: ACMG Guidelines, 2015. Collection method: not provided. Allele origin: germline. Inheritance: Autosomal recessive inheritance. Affected: yes.

NM_130837.3(OPA1):c.*2391T>C

Gene: OPA1 (OPA1 mitochondrial dynamin like GTPase; plus strand). Cytogenetic location: 3q29.
Variant type: single nucleotide variant.
Coding change: c.*2391T>C on transcript NM_130837.3 (MANE Select); 2391 bases downstream of the stop codon, T replaced by C.
Molecular consequence: 3 prime UTR variant.
Genome position (GRCh38, 1-based): chr3:193,696,991, T>C. VCF-style: chr3-193696991-T-C. GRCh37 (hg19) VCF-style: chr3-193414780-T-C.
Other names: c.*2391T>C (NM_001354663.2, NM_001354664.2, NM_015560.3 and 6 more transcripts).
Identifiers: ClinVar variation 344513 (VCV000344513.6), dbSNP rs11719309, ClinGen allele CA10615470.